The following is an entry in ClinVar:

ClinVar aggregate classification (germline): Likely pathogenic (1 of 4 stars; one submission).

Conditions:
Retinitis pigmentosa 39 (RP39). Identifiers: Orphanet 791, MedGen C3151138, MONDO:0013436, OMIM 613809.

Submission:

SingHealth Duke-NUS Institute of Precision Medicine
Classification: Likely pathogenic for Retinitis pigmentosa 39. Last evaluated: 2025-02-05. Review status: criteria provided, single submitter. Criteria: PRISM ACMG Classification Criteria. Collection method: clinical testing. Allele origin: germline. Affected: yes.
Comment: Variant is predicted to cause nonsense-mediated decay in a gene where LOF is a known cause of pathogenicity (PVS1). Variant is not found in gnomAD genomes and exomes (PM2).

NM_206933.4(USH2A):c.12067-10_12067dup

Gene: USH2A (usherin; minus strand). Cytogenetic location: 1q41.
Variant type: Duplication.
Coding change: c.12067-10_12067dup on transcript NM_206933.4 (MANE Select); 10 bases into the intron before coding-DNA position 12067 through coding-DNA position 12067, 11 bases duplicated (TTTCTTACAGG).
Molecular consequence: splice acceptor variant.
Genome position (GRCh38, 1-based): chr1:215,680,376-215,680,386, CCTGTAAGAAA duplicated on the plus strand (TTTCTTACAGG on the coding strand, the reverse complement: USH2A is on the minus strand). VCF-style (leftmost placement, unchanged base first): chr1-215680375-C-CCCTGTAAGAAA. GRCh37 (hg19) VCF-style: chr1-215853717-C-CCCTGTAAGAAA.
Identifiers: ClinVar variation 3767354 (VCV003767354.1).
Genomic context (GRCh38, chr1:215,680,375, plus strand): 5'-ACACCAATGCGATATGTTGTGAATGGTTCTAACCCGTACAGGTGGGCTTGATGGCTTGTT[C>CCCTGTAAGAAA]CCTGTAAGAAAATTAACAGGTTAAGTTGTTGTTTTTTTTTTTTGAAACTGACAATATTGC-3'